The following is an entry in ClinVar:

NM_000541.5(SAG):c.203C>A (p.Ala68Asp)

Gene: SAG (S-antigen visual arrestin; plus strand). Cytogenetic location: 2q37.1.
Variant type: single nucleotide variant.
Coding change: c.203C>A on transcript NM_000541.5 (MANE Select); coding-DNA position 203, C replaced by A.
Protein change: p.Ala68Asp; replaces alanine 68 with aspartic acid.
Molecular consequence: missense variant.
Genome position (GRCh38, 1-based): chr2:233,320,651, C>A. VCF-style: chr2-233320651-C-A. GRCh37 (hg19) VCF-style: chr2-234229297-C-A.
Other names: short protein forms A68D.
Identifiers: ClinVar variation 2480168 (VCV002480168.5), dbSNP rs1187347399, ClinGen allele CA351046131.

ClinVar aggregate classification (germline): Uncertain significance. Review status: criteria provided, multiple submitters, no conflicts (2 of 4 stars). 2 submissions from 2 submitters: Uncertain significance (2). Last evaluated 2023-01-31.

Conditions:
Inborn genetic diseases. Identifiers: MedGen C0950123, MeSH D030342.

Allele frequency attached by ClinVar (database versions not stated): gnomAD exomes 0.00001; TOPMed 0.00002.
gnomAD v4.1: 15 of 1,602,380 alleles (0.00094%); highest among the groups gnomAD compares: Non-Finnish European, 0.0013%; no homozygotes.

Submissions (2):

Ambry Genetics
Classification: Uncertain significance for Inborn genetic diseases. Last evaluated: 2023-01-31. Review status: criteria provided, single submitter. Criteria: Ambry Variant Classification Scheme 2023. Collection method: clinical testing. Allele origin: germline.

Labcorp Genetics (formerly Invitae), Labcorp
Classification: Uncertain significance. Last evaluated: 2022-10-19. Review status: criteria provided, single submitter. Criteria: Invitae Variant Classification Sherloc (09022015). Collection method: clinical testing. Allele origin: germline.
Comment: In summary, the available evidence is currently insufficient to determine the role of this variant in disease. Therefore, it has been classified as a Variant of Uncertain Significance. Advanced modeling of protein sequence and biophysical properties (such as structural, functional, and spatial information, amino acid conservation, physicochemical variation, residue mobility, and thermodynamic stability) has been performed at Invitae for this missense variant, however the output from this modeling did not meet the statistical confidence thresholds required to predict the impact of this variant on SAG protein function. This variant has not been reported in the literature in individuals affected with SAG-related conditions. The frequency data for this variant in the population databases is considered unreliable, as metrics indicate poor data quality at this position in the gnomAD database. This sequence change replaces alanine, which is neutral and non-polar, with aspartic acid, which is acidic and polar, at codon 68 of the SAG protein (p.Ala68Asp).